The following is an entry in ClinVar:

ClinVar aggregate classification (germline): Uncertain significance (1 of 4 stars; one submission).

Allele frequency attached by ClinVar (database versions not stated): gnomAD exomes below 0.00001; ExAC 0.00001; TOPMed 0.00001; gnomAD 0.00003.
gnomAD v4.1: 7 of 1,613,964 alleles (0.00043%); highest among the groups gnomAD compares: African/African-American, 0.0067%; no homozygotes.

Submission:

Ambry Genetics
Classification: Uncertain significance. Last evaluated: 2022-10-27. Review status: criteria provided, single submitter. Criteria: Ambry Variant Classification Scheme 2023. Collection method: clinical testing. Allele origin: germline.
Comment: The p.I618V variant (also known as c.1852A>G), located in coding exon 16 of the RAD54L gene, results from an A to G substitution at nucleotide position 1852. The isoleucine at codon 618 is replaced by valine, an amino acid with highly similar properties. This amino acid position is conserved. In addition, this alteration is predicted to be tolerated by in silico analysis. Since supporting evidence is limited at this time, the clinical significance of this alteration remains unclear.

NM_003579.4(RAD54L):c.1852A>G (p.Ile618Val)

Gene: RAD54L (RAD54 like; plus strand). Cytogenetic location: 1p34.1.
Variant type: single nucleotide variant.
Coding change: c.1852A>G on transcript NM_003579.4 (MANE Select); coding-DNA position 1852, A replaced by G.
Protein change: p.Ile618Val; replaces isoleucine 618 with valine.
Molecular consequence: missense variant.
Genome position (GRCh38, 1-based): chr1:46,274,700, A>G. VCF-style: chr1-46274700-A-G. GRCh37 (hg19) VCF-style: chr1-46740372-A-G.
Other names: c.1852A>G, p.Ile618Val (NM_001142548.2); c.1312A>G, p.Ile438Val (NM_001370766.1); short protein forms I438V, I618V.
Identifiers: ClinVar variation 1781348 (VCV001781348.2), dbSNP rs374649045, ClinGen allele CA834728.
Genomic context (GRCh38, chr1:46,274,700, plus strand): 5'-GCCAATGATGAACAAGCCATGGCCCGGGTCTGGCGAGATGGTCAAAAGAAGACTTGCTAT[A>G]TCTACCGCCTGCTGTCTGTAAGGATGGTGATAGTAGTCATAGTAGGGGTGGGTCATGGAA-3'
Protein context (NP_003570.2, residues 608-628): WRDGQKKTCY[Ile618Val]YRLLSAGTIE